The following is an entry in ClinVar:

NM_018297.4(NGLY1):c.609A>G (p.Leu203=)

Gene: NGLY1 (N-glycanase 1; minus strand). Cytogenetic location: 3p24.2.
Variant type: single nucleotide variant.
Coding change: c.609A>G on transcript NM_018297.4 (MANE Select); coding-DNA position 609, A replaced by G.
Protein change: p.Leu203=; no amino-acid change (leucine 203 retained).
Molecular consequence: synonymous variant.
Genome position (GRCh38, 1-based): chr3:25,751,147, T>C on the plus strand (A>G on the coding strand, the complement: NGLY1 is on the minus strand). VCF-style: chr3-25751147-T-C. GRCh37 (hg19) VCF-style: chr3-25792638-T-C.
Other names: c.609A>G, p.Leu203= (NM_001145293.2, NM_001145295.2); c.483A>G, p.Leu161= (NM_001145294.2).
Identifiers: ClinVar variation 719979 (VCV000719979.12), dbSNP rs146227168, ClinGen allele CA2289437.

ClinVar aggregate classification (germline): Likely benign. Review status: criteria provided, multiple submitters, no conflicts (2 of 4 stars). 3 submissions from 3 submitters: Likely benign (2). 1 of the submissions does not count toward it. Last evaluated 2025-09-27.

Conditions:
Congenital disorder of deglycosylation (CDDG). Identifiers: MedGen C3808991, MONDO:0031376.
NGLY1-related disorder. Also called: NGLY1-related condition.

Allele frequency attached by ClinVar (database versions not stated): ExAC 0.00002; gnomAD exomes 0.00002; TOPMed 0.00005; gnomAD 0.00007 and 0.00008; ESP Exome Variant Server 0.00008.
gnomAD v4.1: 23 of 1,613,712 alleles (0.0014%); highest among the groups gnomAD compares: African/African-American, 0.027%; no homozygotes.

Submissions (3):

Labcorp Genetics (formerly Invitae), Labcorp
Classification: Likely benign for Congenital disorder of deglycosylation. Last evaluated: 2025-09-27. Review status: criteria provided, single submitter. Criteria: Invitae Variant Classification Sherloc (09022015). Collection method: clinical testing. Allele origin: germline.

Breakthrough Genomics
Classification: Likely benign. Review status: criteria provided, single submitter. Criteria: ACMG Guidelines, 2015. Collection method: not provided. Allele origin: germline. Inheritance: Autosomal recessive inheritance. Affected: yes.

PreventionGenetics, part of Exact Sciences
Classification: Likely benign for NGLY1-related condition. Last evaluated: 2020-02-17. Review status: no assertion criteria provided. Collection method: clinical testing. Allele origin: germline. Not counted in ClinVar's aggregate classification.
Comment: This variant is classified as likely benign based on ACMG/AMP sequence variant interpretation guidelines (Richards et al. 2015 PMID: 25741868, with internal and published modifications).